The following is an entry in ClinVar:

NM_003235.5(TG):c.1099G>T (p.Glu367Ter)

Gene: TG (thyroglobulin; plus strand). Cytogenetic location: 8q24.22.
Variant type: single nucleotide variant.
Coding change: c.1099G>T on transcript NM_003235.5 (MANE Select); coding-DNA position 1099, G replaced by T.
Protein change: p.Glu367Ter; replaces glutamic acid 367 with a stop codon.
Molecular consequence: nonsense.
Genome position (GRCh38, 1-based): chr8:132,886,471, G>T. VCF-style: chr8-132886471-G-T. GRCh37 (hg19) VCF-style: chr8-133898716-G-T.
Other names: short protein forms E367*.
Identifiers: ClinVar variation 620435 (VCV000620435.4), dbSNP rs146293727, ClinGen allele CA372229011.

ClinVar aggregate classification (germline): Likely pathogenic (1 of 4 stars; one submission).

gnomAD v4.1: 2 of 1,614,128 alleles (0.00012%); highest among the groups gnomAD compares: Non-Finnish European, 0.00017%; no homozygotes.

Submission:

GeneDx
Classification: Likely pathogenic. Last evaluated: 2025-12-23. Review status: criteria provided, single submitter. Criteria: GeneDx Variant Classification Process June 2021. Collection method: clinical testing. Allele origin: germline. Affected: yes.
Comment: Nonsense variant predicted to result in protein truncation or nonsense mediated decay in a gene for which loss of function is a known mechanism of disease; Not observed at significant frequency in large population cohorts (gnomAD); Has not been previously published as pathogenic or benign to our knowledge